The following is an entry in ClinVar:

ClinVar aggregate classification (germline): Uncertain significance. Review status: criteria provided, multiple submitters, no conflicts (2 of 4 stars). 2 submissions from 2 submitters: Uncertain significance (2). Last evaluated 2024-10-12.

Allele frequency attached by ClinVar (database versions not stated): gnomAD 0.00002; TOPMed 0.00006; ExAC 0.00007; 1000 Genomes Project 30x 0.00031; 1000 Genomes Project 0.00040.
gnomAD v4.1: 48 of 1,614,124 alleles (0.003%); highest among the groups gnomAD compares: East Asian, 0.06%; no homozygotes.

Submissions (2):

Labcorp Genetics (formerly Invitae), Labcorp
Classification: Uncertain significance. Last evaluated: 2024-10-12. Review status: criteria provided, single submitter. Criteria: Invitae Variant Classification Sherloc (09022015). Collection method: clinical testing. Allele origin: germline.
Comment: This sequence change replaces lysine, which is basic and polar, with threonine, which is neutral and polar, at codon 210 of the MESDC2 protein (p.Lys210Thr). This variant is present in population databases (rs183241539, gnomAD 0.1%). This variant has not been reported in the literature in individuals affected with MESDC2-related conditions. ClinVar contains an entry for this variant (Variation ID: 2079317). An algorithm developed to predict the effect of missense changes on protein structure and function (PolyPhen-2) suggests that this variant is likely to be disruptive. In summary, the available evidence is currently insufficient to determine the role of this variant in disease. Therefore, it has been classified as a Variant of Uncertain Significance.

Ambry Genetics
Classification: Uncertain significance. Last evaluated: 2021-10-12. Review status: criteria provided, single submitter. Criteria: Ambry Variant Classification Scheme 2023. Collection method: clinical testing. Allele origin: germline.

NM_015154.3(MESD):c.629A>C (p.Lys210Thr)

Gene: MESD (mesoderm development LRP chaperone; minus strand). Cytogenetic location: 15q25.1.
Variant type: single nucleotide variant.
Coding change: c.629A>C on transcript NM_015154.3 (MANE Select); coding-DNA position 629, A replaced by C.
Protein change: p.Lys210Thr; replaces lysine 210 with threonine.
Molecular consequence: missense variant. On other transcripts: non-coding transcript variant (1).
Genome position (GRCh38, 1-based): chr15:80,979,295, T>G on the plus strand (A>C on the coding strand, the complement: MESD is on the minus strand). VCF-style: chr15-80979295-T-G. GRCh37 (hg19) VCF-style: chr15-81271636-T-G.
Other names: c.629A>C (NM_015154.1); short protein forms K210T.
Identifiers: ClinVar variation 2079317 (VCV002079317.3), dbSNP rs183241539, ClinGen allele CA7693861.